The following is an entry in ClinVar:

ClinVar aggregate classification (germline): Conflicting classifications of pathogenicity. Review status: criteria provided, conflicting classifications (1 of 4 stars). 4 submissions from 4 submitters: Uncertain significance (3); Likely benign (1). Last evaluated 2026-03-01.

Conditions:
Achondrogenesis type II (ACG2). Also called: ACHONDROGENESIS, LANGER-SALDINO TYPE; CHONDROGENESIS IMPERFECTA. Identifiers: Orphanet 932, Orphanet 93296, MedGen C0220685, MONDO:0008702, OMIM 200610.

Allele frequency attached by ClinVar (database versions not stated): gnomAD 0.00001; gnomAD exomes 0.00001; TOPMed 0.00001; ExAC 0.00002.
gnomAD v4.1: 11 of 1,613,764 alleles (0.00068%); highest among the groups gnomAD compares: South Asian, 0.0044%; no homozygotes.

Submissions (4):

CeGaT Center for Human Genetics Tuebingen
Classification: Uncertain significance. Last evaluated: 2026-03-01. Review status: criteria provided, single submitter. Criteria: CeGaT Center For Human Genetics Tuebingen Variant Classification Criteria Version 2. Collection method: clinical testing. Allele origin: germline. Affected: yes. Observed: 1 variant allele.

Labcorp Genetics (formerly Invitae), Labcorp
Classification: Likely benign. Last evaluated: 2025-01-15. Review status: criteria provided, single submitter. Criteria: Invitae Variant Classification Sherloc (09022015). Collection method: clinical testing. Allele origin: germline.

Blueprint Genetics
Classification: Uncertain significance. Last evaluated: 2024-09-02. Review status: criteria provided, single submitter. Criteria: ACMG Guidelines, 2015. Collection method: clinical testing. Allele origin: germline.

Centre for Mendelian Genomics, University Medical Centre Ljubljana
Classification: Uncertain significance for Achondrogenesis type II. Last evaluated: 2019-10-10. Review status: criteria provided, single submitter. Criteria: ACMG Guidelines, 2015. Collection method: clinical testing. Allele origin: unknown. Affected: yes.
Comment: This variant was classified as: Uncertain significance. The available evidence on this variant's pathogenicity is insufficient or conflicting. The following ACMG criteria were applied in classifying this variant: No criteria apply.

NM_001844.5(COL2A1):c.3575G>A (p.Arg1192Gln)

Gene: COL2A1 (collagen type II alpha 1 chain; minus strand). Cytogenetic location: 12q13.11.
Variant type: single nucleotide variant.
Coding change: c.3575G>A on transcript NM_001844.5 (MANE Select); coding-DNA position 3575, G replaced by A.
Protein change: p.Arg1192Gln; replaces arginine 1192 with glutamine.
Molecular consequence: missense variant.
Genome position (GRCh38, 1-based): chr12:47,975,985, C>T on the plus strand (G>A on the coding strand, the complement: COL2A1 is on the minus strand). VCF-style: chr12-47975985-C-T. GRCh37 (hg19) VCF-style: chr12-48369768-C-T.
Other names: c.3368G>A, p.Arg1123Gln (NM_033150.3); short protein forms R1192Q, R1123Q.
Identifiers: ClinVar variation 930628 (VCV000930628.12), dbSNP rs779252535, ClinGen allele CA6534704.